The following is an entry in ClinVar:

ClinVar aggregate classification (germline): Benign. Review status: criteria provided, multiple submitters, no conflicts (2 of 4 stars). 2 submissions from 2 submitters: Benign (2). Last evaluated 2013-02-21.

Allele frequency attached by ClinVar (database versions not stated): 1000 Genomes Project 0.08247; 1000 Genomes Project 30x 0.08323; ExAC 0.09421; ESP Exome Variant Server 0.05582; gnomAD 0.06243 and 0.06781; gnomAD exomes 0.07720 and 0.09929; TOPMed 0.07303.
gnomAD v4.1: 123,194 of 1,613,952 alleles (7.6%); highest among the groups gnomAD compares: Admixed American, 22%; 6,297 homozygotes.

Submissions (2):

Laboratory for Molecular Medicine, Mass General Brigham Personalized Medicine
Classification: Benign. Last evaluated: 2013-02-21. Review status: criteria provided, single submitter. Criteria: LMM Criteria. Collection method: clinical testing. Allele origin: germline. Observed: 18 variant alleles.
Comment: Ser290Thr in exon 8 of SFTPD: This variant is not expected to have clinical sign ificance because it has been identified in 7.3% (630/8600) of European American chromosomes from a broad population by the NHLBI Exome Sequencing Project (dbSNP rs3088308).

Breakthrough Genomics
Classification: Benign. Review status: criteria provided, single submitter. Criteria: ACMG Guidelines, 2015. Collection method: not provided. Allele origin: germline. Inheritance: Unknown mechanism. Affected: yes.

NM_003019.5(SFTPD):c.868T>A (p.Ser290Thr)

Gene: SFTPD (surfactant protein D; minus strand). Cytogenetic location: 10q22.3.
Variant type: single nucleotide variant.
Coding change: c.868T>A on transcript NM_003019.5 (MANE Select); coding-DNA position 868, T replaced by A.
Protein change: p.Ser290Thr; replaces serine 290 with threonine.
Molecular consequence: missense variant.
Genome position (GRCh38, 1-based): chr10:79,938,112, A>T on the plus strand (T>A on the coding strand, the complement: SFTPD is on the minus strand). VCF-style: chr10-79938112-A-T. GRCh37 (hg19) VCF-style: chr10-81697868-A-T.
Other names: short protein forms S290T.
Identifiers: ClinVar variation 165214 (VCV000165214.6), dbSNP rs3088308, ClinGen allele CA177962.
Genomic context (GRCh38, chr10:79,938,112, plus strand): 5'-CCTCGTTCTTAGCTACGACCAGCTGTTGCAAGGCGGCATTCTCAGCGGCAGAGCGTGGAG[A>T]GGCCAACTGTCCACCAGCCTGTGTGCACAGCAGCTGTGCCTCCGTAAATGGTTTTACAAA-3'
Protein context (NP_003010.4, residues 280-300): LCTQAGGQLA[Ser290Thr]PRSAAENAAL